The following is an entry in ClinVar:

ClinVar aggregate classification (germline): Uncertain significance (1 of 4 stars; one submission).

Conditions:
Immunodeficiency 39 (IMD39). Identifiers: Orphanet 574918, MedGen C4225358, MONDO:0014597, OMIM 616345.

Allele frequency attached by ClinVar (database versions not stated): TOPMed 0.00001; gnomAD exomes 0.00002.

Submission:

Labcorp Genetics (formerly Invitae), Labcorp
Classification: Uncertain significance for Immunodeficiency 39. Last evaluated: 2026-01-27. Review status: criteria provided, single submitter. Criteria: Invitae Variant Classification Sherloc (09022015). Collection method: clinical testing. Allele origin: germline.
Comment: This sequence change creates a premature translational stop signal (p.Ala236Leufs*178) in the IRF7 gene. It is expected to result in an absent or disrupted protein product. However, the current clinical and genetic evidence is not sufficient to establish whether loss-of-function variants in IRF7 cause disease. This variant is present in population databases (no rsID available, gnomAD 0.0009%). This variant has not been reported in the literature in individuals affected with IRF7-related conditions. ClinVar contains an entry for this variant (Variation ID: 2155597). In summary, the available evidence is currently insufficient to determine the role of this variant in disease. Therefore, it has been classified as a Variant of Uncertain Significance.

NM_001572.5(IRF7):c.663_664del (p.Ala223fs)

Gene: IRF7 (interferon regulatory factor 7; minus strand). Cytogenetic location: 11p15.5.
Variant type: Deletion.
Coding change: c.663_664del on transcript NM_001572.5 (MANE Select); coding-DNA positions 663 to 664, 2 bases deleted (TG; older notation c.663_664delTG).
Protein change: p.Ala223fs; shifts the reading frame from alanine 223.
Molecular consequence: frameshift variant.
Genome position (GRCh38, 1-based): chr11:614,189-614,190, CA deleted on the plus strand (TG on the coding strand, the reverse complement: IRF7 is on the minus strand). VCF-style (leftmost placement, unchanged base first): chr11-614188-CCA-C. GRCh37 (hg19) VCF-style: chr11-614188-CCA-C.
Other names: c.663_664del, p.Ala223fs (NM_004029.4); c.702_703del, p.Ala236fs (NM_004031.4); short protein forms A236fs, A223fs.
Identifiers: ClinVar variation 2155597 (VCV002155597.4), dbSNP rs1176313852, ClinGen allele CA597020203.
Genomic context (GRCh38, chr11:614,188, plus strand): 5'-GCACTGGCCCCTCCCGCGCTCCCCCCCTCCCCGGGCACGCCCACACCTCCAGCACAGGCC[CCA>C]GTCAGGGGAAGCCCTTCTTGTCCCTCTCCAGGAGCCTTGGTTGGGACTGGATCTGCCCCC-3'